The following is an entry in ClinVar:

ClinVar aggregate classification (germline): Uncertain significance. Review status: criteria provided, multiple submitters, no conflicts (2 of 4 stars). 2 submissions from 2 submitters: Uncertain significance (2). Last evaluated 2025-04-28.

Allele frequency attached by ClinVar (database versions not stated): ExAC 0.00002; gnomAD exomes 0.00002; TOPMed 0.00002.

Submissions (2):

Labcorp Genetics (formerly Invitae), Labcorp
Classification: Uncertain significance. Last evaluated: 2025-04-28. Review status: criteria provided, single submitter. Criteria: Invitae Variant Classification Sherloc (09022015). Collection method: clinical testing. Allele origin: germline.
Comment: This sequence change replaces arginine, which is basic and polar, with glutamine, which is neutral and polar, at codon 490 of the CEP250 protein (p.Arg490Gln). This variant is present in population databases (rs759579361, gnomAD 0.02%). This variant has not been reported in the literature in individuals affected with CEP250-related conditions. ClinVar contains an entry for this variant (Variation ID: 1015473). An algorithm developed to predict the effect of missense changes on protein structure and function (PolyPhen-2) suggests that this variant is likely to be disruptive. In summary, the available evidence is currently insufficient to determine the role of this variant in disease. Therefore, it has been classified as a Variant of Uncertain Significance.

Ambry Genetics
Classification: Uncertain significance. Last evaluated: 2024-09-26. Review status: criteria provided, single submitter. Criteria: Ambry Variant Classification Scheme 2023. Collection method: clinical testing. Allele origin: germline.

NM_007186.6(CEP250):c.1469G>A (p.Arg490Gln)

Genes: CEP250 (centrosomal protein 250; plus strand), CEP250-AS1 (CEP250 antisense RNA 1; minus strand). Cytogenetic location: 20q11.22.
Variant type: single nucleotide variant.
Coding change: c.1469G>A on transcript NM_007186.6 (MANE Select); coding-DNA position 1469, G replaced by A.
Protein change: p.Arg490Gln; replaces arginine 490 with glutamine.
Molecular consequence: missense variant. On other transcripts: 5 prime UTR variant (1).
Genome position (GRCh38, 1-based): chr20:35,473,950, G>A. VCF-style: chr20-35473950-G-A. GRCh37 (hg19) VCF-style: chr20-34061775-G-A.
Other names: c.-431G>A (NM_001318219.1); c.1469G>A (NM_007186.3); short protein forms R490Q.
Identifiers: ClinVar variation 1015473 (VCV001015473.8), dbSNP rs759579361, ClinGen allele CA9832937.